The following is an entry in ClinVar:

NM_172364.5(CACNA2D4):c.2161G>T (p.Glu721Ter)

Gene: CACNA2D4 (calcium voltage-gated channel auxiliary subunit alpha2delta 4; minus strand). Cytogenetic location: 12p13.33.
Variant type: single nucleotide variant.
Coding change: c.2161G>T on transcript NM_172364.5 (MANE Select); coding-DNA position 2161, G replaced by T.
Protein change: p.Glu721Ter; replaces glutamic acid 721 with a stop codon.
Molecular consequence: nonsense.
Genome position (GRCh38, 1-based): chr12:1,854,036, C>A on the plus strand (G>T on the coding strand, the complement: CACNA2D4 is on the minus strand). VCF-style: chr12-1854036-C-A. GRCh37 (hg19) VCF-style: chr12-1963202-C-A.
Other names: short protein forms E721*.
Identifiers: ClinVar variation 4988467 (VCV004988467.1).

ClinVar aggregate classification (germline): Uncertain significance (1 of 4 stars; one submission).

Conditions:
CACNA2D4-related disorder. Also called: CACNA2D4-related condition.

gnomAD v4.1: 1 of 1,609,308 alleles (0.000062%); highest among the groups gnomAD compares: Non-Finnish European, 0.000085%; no homozygotes.

Submission:

PreventionGenetics, part of Exact Sciences
Classification: Uncertain significance for CACNA2D4-related condition. Last evaluated: 2025-10-29. Review status: criteria provided, single submitter. Criteria: ACMG Guidelines, 2015. Collection method: clinical testing. Allele origin: germline.
Comment: The CACNA2D4 c.2161G>T variant is predicted to result in premature protein termination (p.Glu721*). To our knowledge, this variant has not been reported in the literature. This variant is absent in a large population database (gnomAD), indicating this variant is rare. Predicted loss of function variants, such as this nonsense variant, in CACNA2D4 are not currently an established mechanism of disease. Therefore, although we suspect that this variant may be pathogenic, at this time, the clinical significance of this variant is uncertain due to the absence of conclusive functional and genetic evidence.